The following is an entry in ClinVar:

NM_201384.3(PLEC):c.9221C>T (p.Ala3074Val)

Gene: PLEC (plectin; minus strand). Cytogenetic location: 8q24.3.
Variant type: single nucleotide variant.
Coding change: c.9221C>T on transcript NM_201384.3 (MANE Select); coding-DNA position 9221, C replaced by T.
Protein change: p.Ala3074Val; replaces alanine 3074 with valine.
Molecular consequence: missense variant.
Genome position (GRCh38, 1-based): chr8:143,920,600, G>A on the plus strand (C>T on the coding strand, the complement: PLEC is on the minus strand). VCF-style: chr8-143920600-G-A. GRCh37 (hg19) VCF-style: chr8-144994768-G-A.
Other names: c.9302C>T, p.Ala3101Val (NM_000445.5); c.9179C>T, p.Ala3060Val (NM_201378.4); c.9155C>T, p.Ala3052Val (NM_201379.3); c.9632C>T, p.Ala3211Val (NM_201380.4); c.9125C>T, p.Ala3042Val (NM_201381.3); c.9221C>T, p.Ala3074Val (NM_201382.4); c.9233C>T, p.Ala3078Val (NM_201383.3); c.9302C>T (NM_000445.3, NM_000445.4); short protein forms A3042V, A3052V, A3060V, A3074V, A3078V, A3101V, A3211V.
Identifiers: ClinVar variation 501831 (VCV000501831.15), dbSNP rs781880018, ClinGen allele CA4925032.

ClinVar aggregate classification (germline): Conflicting classifications of pathogenicity. Review status: criteria provided, conflicting classifications (1 of 4 stars). 5 submissions from 5 submitters: Uncertain significance (3); Likely benign (1). 1 of the submissions does not count toward it. Last evaluated 2026-07-01.

Conditions:
Epidermolysis bullosa simplex 5C, with pyloric atresia (EBS5C). Also called: PLEC-Related Epidermolysis Bullosa with Pyloric Atresia; Epidermolysis bullosa simplex with pyloric atresia; PLEC1-Related Epidermolysis Bullosa with Pyloric Atresia. Identifiers: Orphanet 158684, MedGen C2677349, MONDO:0012807, OMIM 612138.
Epidermolysis bullosa simplex 5B, with muscular dystrophy (EBS5B). Also called: EPIDERMOLYSIS BULLOSA SIMPLEX AND LIMB-GIRDLE MUSCULAR DYSTROPHY; Epidermolysis bullosa simplex with muscular dystrophy. Identifiers: Orphanet 257, MedGen C2931072, MONDO:0009181, OMIM 226670.
Autosomal recessive limb-girdle muscular dystrophy type 2Q (LGMDR17). Also called: MUSCULAR DYSTROPHY, LIMB-GIRDLE, AUTOSOMAL RECESSIVE 17. Identifiers: Orphanet 254361, MedGen C3150989, MONDO:0013390, OMIM 613723.
Epidermolysis bullosa simplex with nail dystrophy (EBS5D). Identifiers: MedGen C4225309, MONDO:0014661, OMIM 616487.
Epidermolysis bullosa simplex, Ogna type (EBS5A). Also called: Pidermolysis bullosa simplex 5A, Ogna type; EPIDERMOLYSIS BULLOSA SIMPLEX 5A, OGNA TYPE. Identifiers: Orphanet 79401, MedGen C0432317, MONDO:0007555, OMIM 131950.
PLEC-related disorder. Also called: PLEC-related disorders; PLEC-related condition.
Inborn genetic diseases. Identifiers: MedGen C0950123, MeSH D030342.

Allele frequency attached by ClinVar (database versions not stated): gnomAD 0.00002; TOPMed 0.00003; ExAC 0.00004; gnomAD exomes 0.00004 and 0.00005.
gnomAD v4.1: 80 of 1,609,278 alleles (0.005%); highest among the groups gnomAD compares: Non-Finnish European, 0.0063%; no homozygotes.

Submissions (5):

CeGaT Center for Human Genetics Tuebingen
Classification: Likely benign. Last evaluated: 2026-07-01. Review status: criteria provided, single submitter. Criteria: CeGaT Center For Human Genetics Tuebingen Variant Classification Criteria Version 2. Collection method: clinical testing. Allele origin: germline. Affected: yes. Observed: 1 variant allele.
Comment: PLEC: BP4

Labcorp Genetics (formerly Invitae), Labcorp
Classification: Uncertain significance for Autosomal recessive limb-girdle muscular dystrophy type 2Q; Epidermolysis bullosa simplex, Ogna type; Epidermolysis bullosa simplex with nail dystrophy; Epidermolysis bullosa simplex 5C, with pyloric atresia; Epidermolysis bullosa simplex 5B, with muscular dystrophy. Last evaluated: 2025-12-17. Review status: criteria provided, single submitter. Criteria: Invitae Variant Classification Sherloc (09022015). Collection method: clinical testing. Allele origin: germline.
Comment: This sequence change replaces alanine, which is neutral and non-polar, with valine, which is neutral and non-polar, at codon 3101 of the PLEC protein (p.Ala3101Val). This variant is present in population databases (rs781880018, gnomAD 0.008%). This variant has not been reported in the literature in individuals affected with PLEC-related conditions. ClinVar contains an entry for this variant (Variation ID: 501831). An algorithm developed to predict the effect of missense changes on protein structure and function (PolyPhen-2) suggests that this variant is likely to be tolerated. In summary, the available evidence is currently insufficient to determine the role of this variant in disease. Therefore, it has been classified as a Variant of Uncertain Significance.

Ambry Genetics
Classification: Uncertain significance for Inborn genetic diseases. Last evaluated: 2025-08-24. Review status: criteria provided, single submitter. Criteria: Ambry Variant Classification Scheme 2023. Collection method: clinical testing. Allele origin: germline.

Eurofins Ntd Llc (ga)
Classification: Uncertain significance. Last evaluated: 2017-05-04. Review status: criteria provided, single submitter. Criteria: EGL Classification Definitions 2015. Collection method: clinical testing. Allele origin: germline. Observed: 1 variant allele, 1 heterozygote.

PreventionGenetics, part of Exact Sciences
Classification: Uncertain significance for PLEC-related condition. Last evaluated: 2024-06-10. Review status: no assertion criteria provided. Collection method: clinical testing. Allele origin: germline. Not counted in ClinVar's aggregate classification.
Comment: The PLEC c.9302C>T variant is predicted to result in the amino acid substitution p.Ala3101Val. To our knowledge, this variant has not been reported in the literature. This variant is reported in 0.0082% of alleles in individuals of European (Non-Finnish) descent in gnomAD. At this time, the clinical significance of this variant is uncertain due to the absence of conclusive functional and genetic evidence.